The following is an entry in ClinVar:

ClinVar aggregate classification (germline): Uncertain significance. Review status: criteria provided, multiple submitters, no conflicts (2 of 4 stars). 3 submissions from 3 submitters: Uncertain significance (3). Last evaluated 2024-08-03.

Conditions:
Neurofibromatosis, type 1 (NF1). Also called: VON RECKLINGHAUSEN DISEASE; NEUROFIBROMATOSIS, TYPE I, SOMATIC; Neurofibromatosis, type I; Peripheral type neurofibromatosis. Identifiers: Orphanet 636, MedGen C0027831, MONDO:0018975, OMIM 162200. Disease mechanism: loss of function.
Cardiovascular phenotype. Identifiers: MedGen CN230736.
Hereditary cancer-predisposing syndrome. Also called: Neoplastic Syndromes, Hereditary; Tumor predisposition; Hereditary Cancer Syndrome; Hereditary neoplastic syndrome. Identifiers: Orphanet 140162, MedGen C0027672, MeSH D009386, MONDO:0015356.

gnomAD v4.1: 1 of 1,614,174 alleles (0.000062%); highest among the groups gnomAD compares: Non-Finnish European, 0.000085%; no homozygotes.

Submissions (3):

Labcorp Genetics (formerly Invitae), Labcorp
Classification: Uncertain significance for Neurofibromatosis, type 1. Last evaluated: 2024-08-03. Review status: criteria provided, single submitter. Criteria: Invitae Variant Classification Sherloc (09022015). Collection method: clinical testing. Allele origin: germline.
Comment: This sequence change replaces isoleucine, which is neutral and non-polar, with phenylalanine, which is neutral and non-polar, at codon 1351 of the NF1 protein (p.Ile1351Phe). This variant is present in population databases (no rsID available, gnomAD 0.0009%). This variant has not been reported in the literature in individuals affected with NF1-related conditions. ClinVar contains an entry for this variant (Variation ID: 1737376). Advanced modeling of protein sequence and biophysical properties (such as structural, functional, and spatial information, amino acid conservation, physicochemical variation, residue mobility, and thermodynamic stability) performed at Invitae indicates that this missense variant is expected to disrupt NF1 protein function with a positive predictive value of 80%. In summary, the available evidence is currently insufficient to determine the role of this variant in disease. Therefore, it has been classified as a Variant of Uncertain Significance.

GeneDx
Classification: Uncertain significance. Last evaluated: 2022-09-21. Review status: criteria provided, single submitter. Criteria: GeneDx Variant Classification Process June 2021. Collection method: clinical testing. Allele origin: germline. Affected: yes.
Comment: In silico analysis supports that this missense variant has a deleterious effect on protein structure/function; Has not been previously published as pathogenic or benign to our knowledge; This variant is associated with the following publications: (PMID: 25486365, 22807134)

Ambry Genetics
Classification: Uncertain significance for Cardiovascular phenotype; Hereditary cancer-predisposing syndrome. Last evaluated: 2022-09-20. Review status: criteria provided, single submitter. Criteria: Ambry Variant Classification Scheme 2023. Collection method: clinical testing. Allele origin: germline.
Comment: The p.I1351F variant (also known as c.4051A>T), located in coding exon 30 of the NF1 gene, results from an A to T substitution at nucleotide position 4051. The isoleucine at codon 1351 is replaced by phenylalanine, an amino acid with highly similar properties. This amino acid position is conserved. In addition, the in silico prediction for this alteration is inconclusive. Since supporting evidence is limited at this time, the clinical significance of this alteration remains unclear.

NM_001042492.3(NF1):c.4051A>T (p.Ile1351Phe)

Gene: NF1 (neurofibromin 1; plus strand). Cytogenetic location: 17q11.2.
Variant type: single nucleotide variant.
Coding change: c.4051A>T on transcript NM_001042492.3 (MANE Select); coding-DNA position 4051, A replaced by T.
Protein change: p.Ile1351Phe; replaces isoleucine 1351 with phenylalanine.
Molecular consequence: missense variant.
Genome position (GRCh38, 1-based): chr17:31,249,060, A>T. VCF-style: chr17-31249060-A-T. GRCh37 (hg19) VCF-style: chr17-29576078-A-T.
Other names: c.4051A>T, p.Ile1351Phe (NM_000267.4); short protein forms I1351F.
Identifiers: ClinVar variation 1737376 (VCV001737376.5), dbSNP rs1233135542, ClinGen allele CA398994977.